The following is an entry in ClinVar:

NM_001122769.3(LCA5):c.104G>A (p.Arg35Gln)

Gene: LCA5 (lebercilin LCA5; minus strand). Cytogenetic location: 6q14.1.
Variant type: single nucleotide variant.
Coding change: c.104G>A on transcript NM_001122769.3 (MANE Select); coding-DNA position 104, G replaced by A.
Protein change: p.Arg35Gln; replaces arginine 35 with glutamine.
Molecular consequence: missense variant.
Genome position (GRCh38, 1-based): chr6:79,518,791, C>T on the plus strand (G>A on the coding strand, the complement: LCA5 is on the minus strand). VCF-style: chr6-79518791-C-T. GRCh37 (hg19) VCF-style: chr6-80228508-C-T.
Other names: c.104G>A, p.Arg35Gln (NM_181714.4); short protein forms R35Q.
Identifiers: ClinVar variation 2198511 (VCV002198511.1), dbSNP rs771337269, ClinGen allele CA141847985.

ClinVar aggregate classification (germline): Uncertain significance (1 of 4 stars; one submission).

Allele frequency attached by ClinVar (database versions not stated): gnomAD 0.00001.
gnomAD v4.1: 12 of 1,613,992 alleles (0.00074%); highest among the groups gnomAD compares: South Asian, 0.0033%; no homozygotes.

Submission:

Labcorp Genetics (formerly Invitae), Labcorp
Classification: Uncertain significance. Last evaluated: 2022-02-20. Review status: criteria provided, single submitter. Criteria: Invitae Variant Classification Sherloc (09022015). Collection method: clinical testing. Allele origin: germline.
Comment: This sequence change replaces arginine, which is basic and polar, with glutamine, which is neutral and polar, at codon 35 of the LCA5 protein (p.Arg35Gln). This variant is present in population databases (no rsID available, gnomAD 0.005%). This variant has not been reported in the literature in individuals affected with LCA5-related conditions. Algorithms developed to predict the effect of missense changes on protein structure and function output the following: SIFT: "Tolerated"; PolyPhen-2: "Benign"; Align-GVGD: "Class C0". The glutamine amino acid residue is found in multiple mammalian species, which suggests that this missense change does not adversely affect protein function. In summary, the available evidence is currently insufficient to determine the role of this variant in disease. Therefore, it has been classified as a Variant of Uncertain Significance.